The following is an entry in ClinVar:

ClinVar aggregate classification (germline): Uncertain significance. Review status: criteria provided, multiple submitters, no conflicts (2 of 4 stars). 5 submissions from 5 submitters: Uncertain significance (5). Last evaluated 2025-01-29.

Conditions:
IFT172-related disorder. Also called: IFT172-related condition; IFT172-related disorders.
Short-rib thoracic dysplasia 10 with or without polydactyly (SRTD10). Identifiers: Orphanet 474, MedGen C3810175, MONDO:0014284, OMIM 615630.
Retinitis pigmentosa 71 (RP71). Identifiers: Orphanet 791, MedGen C4225342, MONDO:0014618, OMIM 616394.
Bardet-Biedl syndrome 20. Identifiers: MedGen C4310707, MONDO:0023670, OMIM 619471, MONDO:0014926.
Inborn genetic diseases. Identifiers: MedGen C0950123, MeSH D030342.

Allele frequency attached by ClinVar (database versions not stated): gnomAD 0.00001; TOPMed 0.00003.
gnomAD v4.1: 9 of 1,611,916 alleles (0.00056%); highest among the groups gnomAD compares: Middle Eastern, 0.017%; no homozygotes.

Submissions (5):

PreventionGenetics, part of Exact Sciences
Classification: Uncertain significance for IFT172-related condition. Last evaluated: 2025-01-29. Review status: criteria provided, single submitter. Criteria: ACMG Guidelines, 2015. Collection method: clinical testing. Allele origin: germline.
Comment: The IFT172 c.5059C>T variant is predicted to result in the amino acid substitution p.Leu1687Phe. To our knowledge, this variant has not been reported in the literature or in a large population database, indicating this variant is rare. At this time, the clinical significance of this variant is uncertain due to the absence of conclusive functional and genetic evidence.

Ambry Genetics
Classification: Uncertain significance for Inborn genetic diseases. Last evaluated: 2024-08-19. Review status: criteria provided, single submitter. Criteria: Ambry Variant Classification Scheme 2023. Collection method: clinical testing. Allele origin: germline.

Labcorp Genetics (formerly Invitae), Labcorp
Classification: Uncertain significance for Retinitis pigmentosa 71; Short-rib thoracic dysplasia 10 with or without polydactyly. Last evaluated: 2024-06-01. Review status: criteria provided, single submitter. Criteria: Invitae Variant Classification Sherloc (09022015). Collection method: clinical testing. Allele origin: germline.
Comment: This sequence change replaces leucine, which is neutral and non-polar, with phenylalanine, which is neutral and non-polar, at codon 1687 of the IFT172 protein (p.Leu1687Phe). This variant is not present in population databases (gnomAD no frequency). This variant has not been reported in the literature in individuals affected with IFT172-related conditions. ClinVar contains an entry for this variant (Variation ID: 567846). Advanced modeling of protein sequence and biophysical properties (such as structural, functional, and spatial information, amino acid conservation, physicochemical variation, residue mobility, and thermodynamic stability) performed at Invitae indicates that this missense variant is expected to disrupt IFT172 protein function with a positive predictive value of 80%. In summary, the available evidence is currently insufficient to determine the role of this variant in disease. Therefore, it has been classified as a Variant of Uncertain Significance.

Blueprint Genetics
Classification: Uncertain significance. Last evaluated: 2024-02-08. Review status: criteria provided, single submitter. Criteria: ACMG Guidelines, 2015. Collection method: clinical testing. Allele origin: germline.

Fulgent Genetics
Classification: Uncertain significance for Short-rib thoracic dysplasia 10 with or without polydactyly; Retinitis pigmentosa 71; Bardet-Biedl syndrome 20. Last evaluated: 2022-01-04. Review status: criteria provided, single submitter. Criteria: ACMG Guidelines, 2015. Collection method: clinical testing. Allele origin: unknown.

NM_015662.3(IFT172):c.5059C>T (p.Leu1687Phe)

Genes: IFT172 (intraflagellar transport 172; minus strand), KRTCAP3 (keratinocyte associated protein 3; plus strand). Cytogenetic location: 2p23.3.
Variant type: single nucleotide variant.
Coding change: c.5059C>T on transcript NM_015662.3 (MANE Select); coding-DNA position 5059, C replaced by T.
Protein change: p.Leu1687Phe; replaces leucine 1687 with phenylalanine.
Molecular consequence: missense variant. On other transcripts: intron variant (1).
Genome position (GRCh38, 1-based): chr2:27,445,305, G>A on the plus strand (C>T on the coding strand, the complement: IFT172 is on the minus strand). VCF-style: chr2-27445305-G-A. GRCh37 (hg19) VCF-style: chr2-27668172-G-A.
Other names: c.5059C>T (NM_015662.1); c.*6-996G>A (NM_001168364.2); c.4993C>T, p.Leu1665Phe (NM_001410739.1); short protein forms L1687F, L1665F.
Identifiers: ClinVar variation 567846 (VCV000567846.15), dbSNP rs917873749, ClinGen allele CA44515580.